The following is an entry in ClinVar:

NM_006767.4(LZTR1):c.428del (p.Asn143fs)

Gene: LZTR1 (leucine zipper like post translational regulator 1; plus strand). Cytogenetic location: 22q11.21.
Variant type: Deletion.
Coding change: c.428del on transcript NM_006767.4 (MANE Select); coding-DNA position 428, one base deleted (A; older notation c.428delA).
Protein change: p.Asn143fs; shifts the reading frame from asparagine 143.
Molecular consequence: frameshift variant.
Genome position (GRCh38, 1-based): chr22:20,988,037, A deleted; the last of 2 consecutive A bases (chr22:20,988,036-20,988,037); deleting either gives the same sequence. VCF-style (leftmost placement, unchanged base first): chr22-20988035-CA-C. GRCh37 (hg19) VCF-style: chr22-21342324-CA-C.
Other names: short protein forms N143fs.
Identifiers: ClinVar variation 3541612 (VCV003541612.1).

ClinVar aggregate classification (germline): Pathogenic (1 of 4 stars; one submission).

Conditions:
Hereditary cancer-predisposing syndrome. Also called: Hereditary Cancer Syndrome; Hereditary neoplastic syndrome; Tumor predisposition; Neoplastic Syndromes, Hereditary. Identifiers: Orphanet 140162, MedGen C0027672, MeSH D009386, MONDO:0015356.
Cardiovascular phenotype. Identifiers: MedGen CN230736.

Submission:

Ambry Genetics
Classification: Pathogenic for Cardiovascular phenotype; Hereditary cancer-predisposing syndrome. Last evaluated: 2024-09-10. Review status: criteria provided, single submitter. Criteria: Ambry Variant Classification Scheme 2023. Collection method: clinical testing. Allele origin: germline.
Comment: The c.428delA pathogenic mutation, located in coding exon 5 of the LZTR1 gene, results from a deletion of one nucleotide at nucleotide position 428, causing a translational frameshift with a predicted alternate stop codon (p.N143Ifs*4). This alteration was identified in an individual diagnosed with schwannomatosis (Louvrier C et al. Neuro Oncol, 2018 Jun;20:917-929). This variant is considered to be rare based on population cohorts in the Genome Aggregation Database (gnomAD). Loss-of-function variants in LZTR1 are related to an increased risk for schwannomas and autosomal recessive Noonan syndrome; however, such associations with autosomal dominant Noonan syndrome have not been observed (Piotrowski A et al. Nat Genet. 2014 Feb;46:182-7; Yamamoto GL et al. J Med Genet. 2015 Jun;52:413-21; Johnston JJ et al. Genet Med. 2018 10;20:1175-1185). Based on the supporting evidence, this variant is pathogenic for an increased risk of LZTR1-related schwannomatosis (SWN) and would be expected to cause autosomal recessive Noonan syndrome when present along with a second pathogenic or likely pathogenic variant on the other allele; however, the association of this alteration with autosomal dominant Noonan syndrome is unlikely.

Literature cited by the submitters: PubMed 29409008.